The following is an entry in ClinVar:

ClinVar aggregate classification (germline): Uncertain significance. Review status: criteria provided, multiple submitters, no conflicts (2 of 4 stars). 2 submissions from 2 submitters: Uncertain significance (2). Last evaluated 2023-11-23.

Conditions:
Hereditary cancer-predisposing syndrome. Also called: Hereditary neoplastic syndrome; Neoplastic Syndromes, Hereditary; Tumor predisposition; Hereditary Cancer Syndrome. Identifiers: Orphanet 140162, MedGen C0027672, MeSH D009386, MONDO:0015356.
Hereditary pheochromocytoma and paraganglioma. Also called: Hereditary pheochromocytoma-paraganglioma; Hereditary Paraganglioma-Pheochromocytoma Syndromes; Hereditary paragangliomas and pheochromocytomas. Identifiers: Orphanet 29072, MedGen C4274332, MONDO:0017366.

Submissions (2):

Ambry Genetics
Classification: Uncertain significance for Hereditary cancer-predisposing syndrome. Last evaluated: 2023-11-23. Review status: criteria provided, single submitter. Criteria: Ambry Variant Classification Scheme 2023. Collection method: clinical testing. Allele origin: germline.
Comment: The p.L188F variant (also known as c.562C>T), located in coding exon 6 of the SDHB gene, results from a C to T substitution at nucleotide position 562. The leucine at codon 188 is replaced by phenylalanine, an amino acid with highly similar properties. This amino acid position is conserved. In addition, this alteration is predicted to be deleterious by in silico analysis. Since supporting evidence is limited at this time, the clinical significance of this alteration remains unclear.

All of Us Research Program, National Institutes of Health
Classification: Uncertain significance for Hereditary pheochromocytoma and paraganglioma. Last evaluated: 2023-06-26. Review status: criteria provided, single submitter. Criteria: ACMG Guidelines, 2015. Collection method: clinical testing. Allele origin: germline. Inheritance: Autosomal dominant inheritance. Observed: 1 variant allele, 1 heterozygote.
Comment: This missense variant replaces leucine with phenylalanine at codon 188 of the SDHB protein. Computational prediction suggests that this variant may have deleterious impact on protein structure and function (internally defined REVEL score threshold >= 0.7, PMID: 27666373). To our knowledge, functional studies have not been reported for this variant. This variant has not been reported in individuals affected with SDHB-related disorders in the literature. This variant has been identified in 1/250878 chromosomes in the general population by the Genome Aggregation Database (gnomAD). The available evidence is insufficient to determine the role of this variant in disease conclusively. Therefore, this variant is classified as a Variant of Uncertain Significance.

This study involves interpretation of variants in research participants for the purpose of population health screening. Participant phenotype was not available at the time of variant classification. Additional details can be found in publication PMID: 35346344, PMCID: PMC8962531

NM_003000.3(SDHB):c.562C>T (p.Leu188Phe)

Gene: SDHB (succinate dehydrogenase complex iron sulfur subunit B; minus strand). Cytogenetic location: 1p36.13.
Variant type: single nucleotide variant.
Coding change: c.562C>T on transcript NM_003000.3 (MANE Select); coding-DNA position 562, C replaced by T.
Protein change: p.Leu188Phe; replaces leucine 188 with phenylalanine.
Molecular consequence: missense variant.
Genome position (GRCh38, 1-based): chr1:17,024,053, G>A on the plus strand (C>T on the coding strand, the complement: SDHB is on the minus strand). VCF-style: chr1-17024053-G-A. GRCh37 (hg19) VCF-style: chr1-17350548-G-A.
Other names: c.508C>T, p.Leu170Phe (NM_001407361.1); short protein forms L170F, L188F.
Identifiers: ClinVar variation 3071935 (VCV003071935.2), dbSNP rs1392463987, ClinGen allele CA338271355.